The following is an entry in ClinVar:

NM_031907.3(USP26):c.1889G>A (p.Gly630Glu)

Gene: USP26 (ubiquitin specific peptidase 26; minus strand). Cytogenetic location: Xq26.2.
Variant type: single nucleotide variant.
Coding change: c.1889G>A on transcript NM_031907.3 (MANE Select); coding-DNA position 1889, G replaced by A.
Protein change: p.Gly630Glu; replaces glycine 630 with glutamic acid.
Molecular consequence: missense variant.
Genome position (GRCh38, 1-based): chrX:133,026,332, C>T on the plus strand (G>A on the coding strand, the complement: USP26 is on the minus strand). VCF-style: chrX-133026332-C-T. GRCh37 (hg19) VCF-style: chrX-132160360-C-T.
Other names: short protein forms G630E.
Identifiers: ClinVar variation 4882279 (VCV004882279.2).

ClinVar aggregate classification (germline): Uncertain significance (1 of 4 stars; one submission).

Submission:

Dasa
Classification: Uncertain significance. Last evaluated: 2026-03-27. Review status: criteria provided, single submitter. Criteria: DASA Assertion Criteria. Collection method: clinical testing. Allele origin: germline.
Comment: NM_031907.3(USP26):c.1889G>A (p.Gly630Glu) is a missense variant that results in the substitution of glycine with glutamic acid. This variant is rare in population databases. Computational prediction algorithms are consistent with a benign effect. The currently available literature and clinical evidence are not sufficient to establish a definitive association between this variant and the reported condition. Therefore, this variant is classified as a variant of uncertain significance.